The following is an entry in ClinVar:

ClinVar aggregate classification (germline): Benign. Review status: reviewed by expert panel (3 of 4 stars). 12 submissions from 11 submitters: Benign (1). 11 of the submissions do not count toward it. Last evaluated 2024-08-27.

Conditions:
RYR1-related myopathy. Identifiers: Orphanet 98742, MedGen CN305348, MONDO:0100150.
RYR1-related disorder. Also called: RYR1-related disorders; RYR1-related condition. Identifiers: MedGen CN239331.
Congenital myopathy. Identifiers: Orphanet 97245, MedGen C0270960, MONDO:0019952.
Congenital multicore myopathy with external ophthalmoplegia (CMYO1B). Also called: Congenital myopathy 1B, autosomal recessive; Minicore myopathy; MULTICORE MYOPATHY; Minicore myopathy with external ophthalmoplegia; MULTIMINICORE DISEASE WITH EXTERNAL OPHTHALMOPLEGIA. Identifiers: Orphanet 598, Orphanet 98905, MedGen C1850674, MONDO:0009712, OMIM 255320, HP:0003789.
Malignant hyperthermia, susceptibility to, 1 (MHS1). Also called: Anesthesia related hyperthermia; Malignant hyperpyrexia; Fulminating hyperpyrexia; Pharmacogenic myopathy; RYR1-Related Malignant Hyperthermia Susceptibility; Malignant hyperthermia suceptibility 1. Identifiers: Orphanet 423, MedGen C2930980, MONDO:0007783, OMIM 145600.

Allele frequency attached by ClinVar (database versions not stated): gnomAD exomes 0.00017 and 0.00048; ExAC 0.00055; 1000 Genomes Project 30x 0.00156; ESP Exome Variant Server 0.00169; 1000 Genomes Project 0.00180; gnomAD 0.00190 and 0.00202; TOPMed 0.00215.
gnomAD v4.1: 543 of 1,611,748 alleles (0.034%); highest among the groups gnomAD compares: African/African-American, 0.64%; no homozygotes.

Submissions (12):

ClinGen Congenital Myopathies Variant Curation Expert Panel, ClinGen
Classification: Benign for RYR1-related myopathy. Last evaluated: 2024-08-27. Review status: reviewed by expert panel. Criteria: ClinGen CongenMyopathy ACMG Specifications RYR1 AD V2.0.0. Collection method: curation. Allele origin: germline. Inheritance: Autosomal dominant inheritance.
Comment: The variant NM_000540.3:c.2677G>A in RYR1 is a missense variant predicted to cause substitution of glycine by serine at amino acid 893 (p.Gly893Ser). The highest population minor allele frequency in gnomAD v4.1.1 is 0.005439 (483/75052 alleles) for the African population, which is higher than the ClinGen congenital myopathy RYR1 threshold ( ≥ 0.0000486) for BA1, and therefore meets this criterion (BA1). This variant has been reported in one proband in the literature, who lacked a second allele and presented with type I muscle fiber predominance, proximal, axial, and facial weakness, limited upward gaze, and achilles tendon contracture. However, the father had the variant but was unaffected (PMID: 22473935). In summary, the variant meets criteria to be classified as benign for AD RYR1-related myopathy based on the ACMG/AMP criteria applied, as specified by the ClinGen Congenital Myopathies VCEP: BA1. (Congenital Myopathies VCEP specifications version 2; 08/27/2024).

Labcorp Genetics (formerly Invitae), Labcorp
Classification: Likely benign for RYR1-related disorder. Last evaluated: 2026-01-28. Review status: criteria provided, single submitter. Criteria: Invitae Variant Classification Sherloc (09022015). Collection method: clinical testing. Allele origin: germline. Not counted in ClinVar's aggregate classification.

Blueprint Genetics
Classification: Likely benign. Last evaluated: 2024-10-24. Review status: criteria provided, single submitter. Criteria: ACMG Guidelines, 2015. Collection method: clinical testing. Allele origin: germline. Not counted in ClinVar's aggregate classification.

Color Diagnostics, LLC DBA Color Health
Classification: Benign for Malignant hyperthermia, susceptibility to, 1. Last evaluated: 2022-08-18. Review status: criteria provided, single submitter. Criteria: ACMG Guidelines, 2015. Collection method: clinical testing. Allele origin: germline. Not counted in ClinVar's aggregate classification.

GeneDx
Classification: Likely benign. Last evaluated: 2020-10-21. Review status: criteria provided, single submitter. Criteria: GeneDx Variant Classification Process June 2021. Collection method: clinical testing. Allele origin: germline. Affected: yes. Not counted in ClinVar's aggregate classification.
Comment: This variant is associated with the following publications: (PMID: 23394784, 24055113, 22473935, 25637381, 26332594)

Women's Health and Genetics/Laboratory Corporation of America, LabCorp
Classification: Likely benign. Last evaluated: 2019-08-23. Review status: criteria provided, single submitter. Criteria: LabCorp Variant Classification Summary - May 2015. Collection method: clinical testing. Allele origin: germline. Not counted in ClinVar's aggregate classification.
Comment: Variant summary: RYR1 c.2677G>A (p.Gly893Ser) results in a non-conservative amino acid change located in the first Ryr domain (IPR003032) of the encoded protein sequence. Five of five in-silico tools predict a damaging effect of the variant on protein function. The variant allele was found at a frequency of 0.00066 in 277800 control chromosomes, predominantly at a frequency of 0.007 within the African or African-American subpopulation in the gnomAD database. The observed variant frequency within African or African-American control individuals in the gnomAD database is approximately 2500 fold of the estimated maximal expected allele frequency for a pathogenic variant in RYR1 causing Central Core Disease phenotype (2.8e-06), strongly suggesting that the variant is a benign polymorphism found primarily in populations of African or African-American origin. c.2677G>A has been reported in the literature in individuals affected with myopathy (Klein_2012, Maggi_2013, Isackson_2018), however one of these patient's unaffected father also tested positive for this variant, supporting a benign role for the variant (Klein_2012). To our knowledge, no experimental evidence demonstrating an impact on protein function has been reported. Six other clinical diagnostic laboratories have submitted clinical-significance assessments for this variant to ClinVar (evaluation after 2014) and cited the variant as likely benign. Based on the evidence outlined above, the variant was classified as likely benign.

Mendelics
Classification: Benign for Malignant hyperthermia, susceptibility to, 1. Last evaluated: 2019-05-28. Review status: criteria provided, single submitter. Criteria: Mendelics Assertion Criteria 2017. Collection method: clinical testing. Allele origin: unknown. Not counted in ClinVar's aggregate classification.

Illumina Laboratory Services, Illumina
Classification: Likely benign for Malignant hyperthermia, susceptibility to, 1. Last evaluated: 2018-05-29. Review status: criteria provided, single submitter. Criteria: ICSL Variant Classification Criteria 13 December 2019. Collection method: clinical testing. Allele origin: germline. Not counted in ClinVar's aggregate classification.
Comment: This variant was observed as part of a predisposition screen in an ostensibly healthy population. A literature search was performed for the gene, cDNA change, and amino acid change (where applicable). No publications were found based on this search. Allele frequency data from public databases allowed determination this variant is unlikely to cause disease. Therefore, this variant is classified as likely benign.

Illumina Laboratory Services, Illumina
Classification: Likely benign for Congenital multicore myopathy with external ophthalmoplegia. Last evaluated: 2018-05-29. Review status: criteria provided, single submitter. Criteria: ICSL Variant Classification Criteria 13 December 2019. Collection method: clinical testing. Allele origin: germline. Not counted in ClinVar's aggregate classification.
Comment: the same text as in the submission from Illumina Laboratory Services, Illumina above.

Eurofins Ntd Llc (ga)
Classification: Likely benign. Last evaluated: 2017-09-27. Review status: criteria provided, single submitter. Criteria: EGL Classification Definitions 2015. Collection method: clinical testing. Allele origin: germline. Observed: 2 variant alleles, 2 heterozygotes. Not counted in ClinVar's aggregate classification.

PreventionGenetics, part of Exact Sciences
Classification: Likely benign for RYR1-related condition. Last evaluated: 2019-06-12. Review status: no assertion criteria provided. Collection method: clinical testing. Allele origin: germline. Not counted in ClinVar's aggregate classification.
Comment: This variant is classified as likely benign based on ACMG/AMP sequence variant interpretation guidelines (Richards et al. 2015 PMID: 25741868, with internal and published modifications).

CSER _CC_NCGL, University of Washington
Classification: Likely benign for Myopathy, congenital. Last evaluated: 2014-06-01. Review status: no assertion criteria provided. Collection method: research. Allele origin: germline. Inheritance: Autosomal dominant inheritance. Study: ESP 6500 variant annotation. Not counted in ClinVar's aggregate classification.
Comment: Variants classified for the Actionable exomic incidental findings in 6503 participants: challenges of variant classification manuscript

Literature cited by the submitters: PubMed 24055113 (cited by Women's Health and Genetics/Laboratory Corporation of America, LabCorp); PubMed 26332594 (cited by Women's Health and Genetics/Laboratory Corporation of America, LabCorp); PubMed 25637381 (cited by Women's Health and Genetics/Laboratory Corporation of America, LabCorp); PubMed 30122538 (cited by Women's Health and Genetics/Laboratory Corporation of America, LabCorp); PubMed 30325262 (cited by Women's Health and Genetics/Laboratory Corporation of America, LabCorp); PubMed 22473935 (cited by Women's Health and Genetics/Laboratory Corporation of America, LabCorp); PubMed 23394784 (cited by Women's Health and Genetics/Laboratory Corporation of America, LabCorp).

NM_000540.3(RYR1):c.2677G>A (p.Gly893Ser)

Gene: RYR1 (ryanodine receptor 1; plus strand). Cytogenetic location: 19q13.2.
Variant type: single nucleotide variant.
Coding change: c.2677G>A on transcript NM_000540.3 (MANE Select); coding-DNA position 2677, G replaced by A.
Protein change: p.Gly893Ser; replaces glycine 893 with serine.
Molecular consequence: missense variant.
Genome position (GRCh38, 1-based): chr19:38,463,522, G>A. VCF-style: chr19-38463522-G-A. GRCh37 (hg19) VCF-style: chr19-38954162-G-A.
Other names: NM_000540.3(RYR1):c.2677G>A; p.Gly893Ser; c.2677G>A, p.Gly893Ser (NM_001042723.2); short protein forms G893S.
Identifiers: ClinVar variation 161362 (VCV000161362.28), dbSNP rs147336515, ClinGen allele CA024360.
Genomic context (GRCh38, chr19:38,463,522, plus strand): 5'-CTGGCGGAGAACATCCACGAGCTCTGGGCGCTAACCCGCATCGAGCAGGGCTGGACCTAC[G>A]GCCCGGTGAGGGGCTGCCTGCAGCCTGCGGGAGGCCGGCTAGACTTGCGGTGCCAGGAGG-3'
Protein context (NP_000531.2, residues 883-903): LTRIEQGWTY[Gly893Ser]PVRDDNKRLH